The following continues an entry in ClinVar:

NM_206933.4(USH2A):c.2276G>T (p.Cys759Phe)

Gene: USH2A. ClinVar aggregate classification (germline): Pathogenic. Pathogenic (1).

Submissions 7 to 20 of 61:

Labcorp Genetics (formerly Invitae), Labcorp
Classification: Pathogenic. Last evaluated: 2026-01-29. Review status: criteria provided, single submitter. Criteria: Invitae Variant Classification Sherloc (09022015). Collection method: clinical testing. Allele origin: germline. Not counted in ClinVar's aggregate classification.
Comment: This sequence change replaces cysteine, which is neutral and slightly polar, with phenylalanine, which is neutral and non-polar, at codon 759 of the USH2A protein (p.Cys759Phe). This variant is present in population databases (rs80338902, gnomAD 0.2%), and has an allele count higher than expected for a pathogenic variant. This missense change has been observed in individuals with autosomal recessive isolated retinitis pigmentosa and USH2A-related disorders (PMID: 10775529, 12525556, 15325563, 25649381, 25910913, 28041643). It has also been observed to segregate with disease in related individuals. ClinVar contains an entry for this variant (Variation ID: 2356). Invitae Evidence Modeling of protein sequence and biophysical properties (such as structural, functional, and spatial information, amino acid conservation, physicochemical variation, residue mobility, and thermodynamic stability) indicates that this missense variant is expected to disrupt USH2A protein function with a positive predictive value of 95%. For these reasons, this variant has been classified as Pathogenic.

3billion
Classification: Pathogenic for Retinitis pigmentosa 39. Last evaluated: 2026-01-09. Review status: criteria provided, single submitter. Criteria: ACMG Guidelines, 2015. Collection method: clinical testing. Allele origin: germline. Affected: yes. Not counted in ClinVar's aggregate classification.
Comment: The variant is observed at an extremely low frequency in the gnomAD v4.1.0 dataset (total allele frequency: 0.146%). Predicted Consequence/Location: Missense variant In silico tool predictions suggest damaging effect of the variant on gene or gene product [REVEL: 0.90 (>=0.6, sensitivity 0.68 and specificity 0.92); 3Cnet: 0.98 (> 0.75, sensitivity 0.96 and precision 0.92)]. The same nucleotide change resulting in the same amino acid change has been previously reported as pathogenic/likely pathogenic with strong evidence (ClinVar ID: VCV000002356 /PMID: 10775529 /3billion dataset). The variant has been observed in multiple (>3) similarly affected unrelated individuals (PMID: 12525556, 21151602, 22334370, 25823529, 29283788). Therefore, this variant is classified as Pathogenic according to the recommendation of ACMG/AMP guideline.

Otogenetics
Classification: Pathogenic for Usher syndrome type 2A; Retinitis pigmentosa 39. Last evaluated: 2025-12-19. Review status: criteria provided, single submitter. Criteria: ACMG Guidelines, 2015. Collection method: clinical testing. Allele origin: germline. Not counted in ClinVar's aggregate classification.
Comment: PS3_Supporting: Well-established in vitro and in vivo functional studies supportive of damaging effect on the gene product, with low residual enzymatic activity relative to wild-type reported (PMID: 35672333); PM2: Maximum gnomAD MAF of 0.2033% in American (AMR) subpopulation (<0.251% threshold); PM3_VeryStrong: Variant reported in trans with 8 pathogenic variants in 9 individuals affected with retinitis pigmentosa or Usher syndrome (PMID: 37287646); PP3: In-silico models predict deleterious effect (Revel = 0.9, BayesDel = 0.48)

Clinical Genetics Laboratory, University Hospital Schleswig-Holstein
Classification: Pathogenic for Retinitis pigmentosa 39. Last evaluated: 2025-12-15. Review status: criteria provided, single submitter. Criteria: ACMG Guidelines, 2015. Collection method: clinical testing. Allele origin: germline. Affected: yes. Observed: 1 heterozygote. Not counted in ClinVar's aggregate classification.
Comment: ACMG criteria applied: BS1, PS4, PP3, PP1_Strong, PM3_Strong, PP4

Natera, Inc.
Classification: Pathogenic for Usher syndrome type 2A. Last evaluated: 2025-11-22. Review status: criteria provided, single submitter. Criteria: Natera Variant Classification Schema (03/2026). Collection method: clinical testing. Allele origin: germline. Not counted in ClinVar's aggregate classification.
Comment: The c.2276G>T variant in USH2A is a missense variant predicted to cause substitution of cysteine to phenylalanine at amino acid 759. This variant is rare in the general population with a frequency below the threshold expected for the associated phenotype(s). This variant has been observed in one or more individuals affected with the associated recessive disease, as either homozygous or compound heterozygous with a second variant (PMID: 27318125, 22004887). Given the available evidence, this variant is classified as Pathogenic.

Variantyx, Inc.
Classification: Pathogenic for Usher syndrome type 2A. Last evaluated: 2025-09-10. Review status: criteria provided, single submitter. Criteria: Variantyx Assertion Criteria 2022. Collection method: clinical testing. Allele origin: germline. Inheritance: Autosomal recessive inheritance. Not counted in ClinVar's aggregate classification.
Comment: This is a nonsynonymous variant in the USH2A gene (OMIM: 608400). Pathogenic variants in this gene have been associated with autosomal recessive Usher syndrome type 2A. This variant has been identified in the homozygous or compound heterozygous state in at least 8 individuals reported in the published literature(PMID: 29912909) (PM3_Very_Strong), and it has been observed to segregate with disease in at least 4 individuals from 2 families (PMID: 29912909) (PP1_Strong). Multiple computational algorithms predict a deleterious effect for this variant (REVEL score: 0.902) (PP3). This variant has a 0.2117% maximum allele frequency in non-founder control populations. Based on the current evidence, this variant is classified as pathogenic for autosomal recessive Usher syndrome type 2A.

Victorian Clinical Genetics Services, Murdoch Childrens Research Institute
Classification: Pathogenic for Usher syndrome type 2A. Last evaluated: 2025-06-10. Review status: criteria provided, single submitter. Criteria: ACMG Guidelines, 2015. Collection method: clinical testing. Allele origin: germline. Affected: no. Not counted in ClinVar's aggregate classification.
Comment: This variant is classified as Pathogenic. Evidence in support of pathogenic classification: Variant is present in gnomAD <0.01 for a recessive condition (v2: 273 heterozygotes, 0 homozygotes); This variant has strong previous evidence of pathogenicity in unrelated individuals. It has been reported in multiple Usher syndrome and RP individuals and classified as pathogenic for Usher syndrome by ClinGen's hearing loss expert panel; Missense variant consistently predicted to be damaging by multiple in silico tools or highly conserved with a major amino acid change. Additional information: Variant is predicted to result in a missense amino acid change from cysteine to phenylalanine; This variant is heterozygous; This gene is associated with autosomal recessive disease; Variant is located in the annotated laminin EGF domain (DECIPHER); Loss of function is a known mechanism of disease in this gene and is associated with Usher syndrome, type 2A (MIM#276901) and retinitis pigmentosa (RP; MIM# 6138093). Null variants are associated with Usher syndrome while homozygous missense which lead to partially functional proteins typically cases non-syndromic RP (PMID: 20301515).

First Genomix Gene Laboratory, Genetic Diagnostics Department
Classification: Pathogenic for Retinitis pigmentosa 39; Usher syndrome type 2A. Last evaluated: 2025-05-23. Review status: criteria provided, single submitter. Criteria: ACMG Guidelines, 2015. Collection method: clinical testing. Allele origin: germline. Inheritance: Autosomal recessive inheritance. Affected: no. Observed: 1 variant allele. Not counted in ClinVar's aggregate classification.

GeneDx
Classification: Pathogenic. Last evaluated: 2024-12-20. Review status: criteria provided, single submitter. Criteria: GeneDx Variant Classification Process June 2021. Collection method: clinical testing. Allele origin: germline. Affected: yes. Not counted in ClinVar's aggregate classification.
Comment: Observed in the homozygous state in a few unaffected individuals as well as in affected individuals who had different genetic etiologies for the phenotype, indicating reduced penetrance of this variant (PMID: 25823529, 12525556, 25097241); Published functional studies using a zebrafish knock-in model suggest a damaging effect with decreased expression of usherin and impaired visual function (PMID: 35672333); In silico analysis supports that this missense variant has a deleterious effect on protein structure/function; This variant is associated with the following publications: (PMID: 25472526, 29588463, 33576794, 33105617, 12525556, 25097241, 20440071, 30609409, 30245029, 30924848, 32483926, 31429209, 32531858, 25262649, 10775529, 25910913, 26764160, 25649381, 26969326, 22004887, 15325563, 29283788, 28678594, 30390570, 32581362, 25326637, 28838317, 30190494, 28559085, 32050993, 32176120, 29953849, 24963352, 29777677, 28041643, 30081015, 29431110, 30337596, 32036094, 14970843, 30096711, 28945494, 34327195, 34426522, 33302505, 33089500, 37644014, 36011402, 31964843, 36460718, 35052694, 36819107, 36909829, 36785559, 35248879, 37217489, 33749171, 37734845, 34906470, 32037395, 35836572, 34948090, 36051698, 36003347, 36034145, 36140798, 36011334, 34599368, 34781295, 35266249, 31877679, 35672333, 29912909, 25823529)

Blueprint Genetics
Classification: Pathogenic for USH2A-related disorders. Last evaluated: 2024-11-22. Review status: criteria provided, single submitter. Criteria: ACMG Guidelines, 2015. Collection method: clinical testing. Allele origin: germline. Affected: yes. Observed: 5 variant alleles. Not counted in ClinVar's aggregate classification.

Revvity Omics, Revvity
Classification: Pathogenic. Last evaluated: 2024-05-14. Review status: criteria provided, single submitter. Criteria: ACMG Guidelines, 2015. Collection method: clinical testing. Allele origin: germline. Not counted in ClinVar's aggregate classification.

Baylor Genetics
Classification: Pathogenic for Retinitis pigmentosa 39. Last evaluated: 2024-03-30. Review status: criteria provided, single submitter. Criteria: ACMG Guidelines, 2015. Collection method: clinical testing. Allele origin: unknown. Not counted in ClinVar's aggregate classification.

Genomic Medicine Center of Excellence, King Faisal Specialist Hospital and Research Centre
Classification: Pathogenic for Usher syndrome type 2A. Last evaluated: 2024-03-29. Review status: criteria provided, single submitter. Criteria: ACMG Guidelines, 2015. Collection method: clinical testing. Allele origin: germline. Not counted in ClinVar's aggregate classification.

Institute of Human Genetics, University of Leipzig Medical Center
Classification: Pathogenic for Usher syndrome type 2A. Last evaluated: 2024-02-07. Review status: criteria provided, single submitter. Criteria: ACMG Guidelines, 2015. Collection method: clinical testing. Allele origin: unknown. Inheritance: Autosomal recessive inheritance. Affected: yes. Not counted in ClinVar's aggregate classification.
Comment: Criteria applied: PM3_VSTR,PP1_STR,PP3